The following is an entry in ClinVar:

NM_007227.3(GPR45):c.285C>T (p.Leu95=)

Gene: GPR45 (G protein-coupled receptor 45; plus strand). Cytogenetic location: 2q12.1.
Variant type: single nucleotide variant.
Coding change: c.285C>T on transcript NM_007227.3 (MANE Select); coding-DNA position 285, C replaced by T.
Protein change: p.Leu95=; no amino-acid change (leucine 95 retained).
Molecular consequence: synonymous variant.
Genome position (GRCh38, 1-based): chr2:105,242,143, C>T. VCF-style: chr2-105242143-C-T. GRCh37 (hg19) VCF-style: chr2-105858600-C-T.
Identifiers: ClinVar variation 2018923 (VCV002018923.4), dbSNP rs2466837827, ClinGen allele CA428208266.

ClinVar aggregate classification (germline): Uncertain significance (1 of 4 stars; one submission).

Submission:

Labcorp Genetics (formerly Invitae), Labcorp
Classification: Uncertain significance. Last evaluated: 2022-07-22. Review status: criteria provided, single submitter. Criteria: Invitae Variant Classification Sherloc (09022015). Collection method: clinical testing. Allele origin: germline.
Comment: In summary, the available evidence is currently insufficient to determine the role of this variant in disease. Therefore, it has been classified as a Variant of Uncertain Significance. This variant has not been reported in the literature in individuals affected with GPR45-related conditions. This variant is not present in population databases (gnomAD no frequency). This sequence change affects codon 95 of the GPR45 mRNA. It is a 'silent' change, meaning that it does not change the encoded amino acid sequence of the GPR45 protein.